The following is an entry in ClinVar:

ClinVar aggregate classification (germline): Pathogenic (1 of 4 stars; one submission).

Allele frequency attached by ClinVar (database versions not stated): gnomAD exomes below 0.00001; TOPMed below 0.00001; ExAC 0.00001.
gnomAD v4.1: 1 of 1,614,148 alleles (0.000062%); highest among the groups gnomAD compares: Non-Finnish European, 0.000085%; no homozygotes.

Submission:

Labcorp Genetics (formerly Invitae), Labcorp
Classification: Pathogenic. Last evaluated: 2023-07-03. Review status: criteria provided, single submitter. Criteria: Invitae Variant Classification Sherloc (09022015). Collection method: clinical testing. Allele origin: germline.
Comment: This sequence change creates a premature translational stop signal (p.Arg329*) in the HJV gene. While this is not anticipated to result in nonsense mediated decay, it is expected to disrupt the last 98 amino acid(s) of the HJV protein. This variant is present in population databases (rs782386455, gnomAD 0.0009%). This premature translational stop signal has been observed in individual(s) with juvenile hemochromatosis (PMID: 21901660). ClinVar contains an entry for this variant (Variation ID: 961016). This variant disrupts a region of the HJV protein in which other variant(s) (p.Gly336*) have been determined to be pathogenic (PMID: 30195625). This suggests that this is a clinically significant region of the protein, and that variants that disrupt it are likely to be disease-causing. For these reasons, this variant has been classified as Pathogenic.

Literature cited by the submitters: PubMed 21901660; PubMed 30195625.

NM_213653.4(HJV):c.985C>T (p.Arg329Ter)

Gene: HJV (hemojuvelin BMP co-receptor; minus strand). Cytogenetic location: 1q21.1.
Variant type: single nucleotide variant.
Coding change: c.985C>T on transcript NM_213653.4 (MANE Select); coding-DNA position 985, C replaced by T.
Protein change: p.Arg329Ter; replaces arginine 329 with a stop codon.
Molecular consequence: nonsense.
Genome position (GRCh38, 1-based): chr1:146,018,373, G>A on the plus strand (C>T on the coding strand, the complement: HJV is on the minus strand). VCF-style: chr1-146018373-G-A. GRCh37 (hg19) VCF-style: chr1-145416640-C-T.
Other names: c.307C>T, p.Arg103Ter (NM_001316767.2, NM_202004.4, NM_213652.4); c.985C>T, p.Arg329Ter (NM_001379352.1); c.646C>T, p.Arg216Ter (NM_145277.5); short protein forms R103*, R216*, R329*.
Identifiers: ClinVar variation 961016 (VCV000961016.9), dbSNP rs782386455, ClinGen allele CA1053934.